The following is an entry in ClinVar:

ClinVar aggregate classification (germline): Likely benign. Review status: criteria provided, multiple submitters, no conflicts (2 of 4 stars). 2 submissions from 2 submitters: Likely benign (2). Last evaluated 2025-09-29.

Conditions:
Marfan syndrome (MFS). Also called: MARFAN SYNDROME, TYPE I; Marfan syndrome type 1; Marfan's syndrome; Marfan syndrome, classic; FBN1-Related Marfan Syndrome. Identifiers: Orphanet 284963, Orphanet 558, MedGen C0024796, MONDO:0007947, OMIM 154700.
Familial thoracic aortic aneurysm and aortic dissection (TAAD). Also called: Thoracic aortic aneurysms and dissections. Identifiers: Orphanet 91387, MedGen C4707243, MONDO:0019625.

gnomAD v4.1: 31 of 1,613,296 alleles (0.0019%); highest among the groups gnomAD compares: Non-Finnish European, 0.0025%; no homozygotes.

Submissions (2):

Women's Health and Genetics/Laboratory Corporation of America, LabCorp
Classification: Likely benign. Last evaluated: 2025-09-29. Review status: criteria provided, single submitter. Criteria: LabCorp Variant Classification Summary - May 2015. Collection method: clinical testing. Allele origin: germline.
Comment: Variant summary: FBN1 c.6739+15T>C alters a nucleotide located at a position not widely known to affect splicing. Consensus agreement among computation tools predict no significant impact on normal splicing. However, these predictions have yet to be confirmed by functional studies. The variant allele was found at a frequency of 8e-06 in 250898 control chromosomes. The available data on variant occurrences in the general population are insufficient to allow any conclusion about variant significance. To our knowledge, no occurrence of c.6739+15T>C in individuals affected with FBN1-related conditions and no experimental evidence demonstrating its impact on protein function have been reported. No submitters have cited clinical-significance assessments for this variant to ClinVar. Based on the evidence outlined above, the variant was classified as likely benign.

Labcorp Genetics (formerly Invitae), Labcorp
Classification: Likely benign for Marfan syndrome; Familial thoracic aortic aneurysm and aortic dissection. Last evaluated: 2025-08-23. Review status: criteria provided, single submitter. Criteria: Invitae Variant Classification Sherloc (09022015). Collection method: clinical testing. Allele origin: germline.

NM_000138.5(FBN1):c.6739+15T>C

Gene: FBN1 (fibrillin 1; minus strand). Cytogenetic location: 15q21.1.
Variant type: single nucleotide variant.
Coding change: c.6739+15T>C on transcript NM_000138.5 (MANE Select); 15 bases into the intron after coding-DNA position 6739, T replaced by C.
Molecular consequence: intron variant.
Genome position (GRCh38, 1-based): chr15:48,432,851, A>G on the plus strand (T>C on the coding strand, the complement: FBN1 is on the minus strand). VCF-style: chr15-48432851-A-G. GRCh37 (hg19) VCF-style: chr15-48725048-A-G.
Other names: c.6739+15T>C (NM_001406716.1).
Identifiers: ClinVar variation 4535678 (VCV004535678.2).
Genomic context (GRCh38, chr15:48,432,851, plus strand): 5'-AGGGAAGCTTTGAGGGACATCTCCCCTCACAGATAAAGCTTCCTGGCTTAGATGACCTTG[A>G]ACACGATGACTCACCTTTGCACATCCTACGGTCTTCTCTGAGCACATATCCCACGGGACA-3'